The following is an entry in ClinVar:

ClinVar aggregate classification (germline): Uncertain significance (1 of 4 stars; one submission).

Allele frequency attached by ClinVar (database versions not stated): TOPMed below 0.00001; gnomAD 0.00001 and 0.00002; gnomAD exomes 0.00001 and 0.00002; ExAC 0.00002.
gnomAD v4.1: 19 of 1,581,008 alleles (0.0012%); highest among the groups gnomAD compares: Admixed American, 0.0084%; no homozygotes.

Submission:

Labcorp Genetics (formerly Invitae), Labcorp
Classification: Uncertain significance. Last evaluated: 2025-04-28. Review status: criteria provided, single submitter. Criteria: Invitae Variant Classification Sherloc (09022015). Collection method: clinical testing. Allele origin: germline.
Comment: This sequence change replaces tryptophan, which is neutral and slightly polar, with arginine, which is basic and polar, at codon 434 of the PROM1 protein (p.Trp434Arg). This variant is present in population databases (rs761560893, gnomAD 0.01%). This variant has not been reported in the literature in individuals affected with PROM1-related conditions. ClinVar contains an entry for this variant (Variation ID: 1042231). An algorithm developed to predict the effect of missense changes on protein structure and function outputs the following: PolyPhen-2: "Benign". The arginine amino acid residue is found in multiple mammalian species, which suggests that this missense change does not adversely affect protein function. In summary, the available evidence is currently insufficient to determine the role of this variant in disease. Therefore, it has been classified as a Variant of Uncertain Significance.

NM_006017.3(PROM1):c.1300T>C (p.Trp434Arg)

Gene: PROM1 (prominin 1; minus strand). Cytogenetic location: 4p15.32.
Variant type: single nucleotide variant.
Coding change: c.1300T>C on transcript NM_006017.3 (MANE Select); coding-DNA position 1300, T replaced by C.
Protein change: p.Trp434Arg; replaces tryptophan 434 with arginine.
Molecular consequence: missense variant.
Genome position (GRCh38, 1-based): chr4:16,008,950, A>G on the plus strand (T>C on the coding strand, the complement: PROM1 is on the minus strand). VCF-style: chr4-16008950-A-G. GRCh37 (hg19) VCF-style: chr4-16010573-A-G.
Other names: c.1273T>C, p.Trp425Arg (NM_001145847.2, NM_001145848.2, NM_001145851.2 and 4 more transcripts); c.1300T>C, p.Trp434Arg (NM_001145849.2, NM_001145850.2); short protein forms W434R, W425R.
Identifiers: ClinVar variation 1042231 (VCV001042231.8), dbSNP rs761560893, ClinGen allele CA2866820.